The following is an entry in ClinVar:

ClinVar aggregate classification (germline): Uncertain significance. Review status: criteria provided, single submitter (1 of 4 stars). 2 submissions from 2 submitters: Uncertain significance (1). 1 of the submissions does not count toward it. Last evaluated 2019-11-08.

Conditions:
CFTR-related disorder (CFTR-RD). Also called: CFTR-related condition; CFTR-related disorders. Identifiers: MedGen C5924204, MONDO:7770004.

Allele frequency attached by ClinVar (database versions not stated): gnomAD 0.00003; gnomAD exomes below 0.00001; TOPMed 0.00003.
gnomAD v4.1: 6 of 1,613,394 alleles (0.00037%); highest among the groups gnomAD compares: African/African-American, 0.004%; no homozygotes.

Submissions (2):

Women's Health and Genetics/Laboratory Corporation of America, LabCorp
Classification: Uncertain significance. Last evaluated: 2019-11-08. Review status: criteria provided, single submitter. Criteria: LabCorp Variant Classification Summary - May 2015. Collection method: clinical testing. Allele origin: germline.
Comment: Variant summary: CFTR c.3128T>A (p.Leu1043Gln) results in a non-conservative amino acid change located in the ABC transporter type 1, transmembrane domain (IPR011527) of the encoded protein sequence. Five of five in-silico tools predict a damaging effect of the variant on protein function. The variant was absent in 250756 control chromosomes (gnomAD). The available data on variant occurrences in the general population are insufficient to allow any conclusion about variant significance. To our knowledge, no occurrence of c.3128T>A in individuals affected with Cystic Fibrosis and no experimental evidence demonstrating its impact on protein function have been reported. No clinical diagnostic laboratories have submitted clinical-significance assessments for this variant to ClinVar after 2014. Another variant affecting the same codon, L1043R, has been reported in HGMD to be associated with Cystic fibrosis. However, based on the current available evidence, the variant was classified as uncertain significance, until additional information becomes available.

Natera, Inc.
Classification: Uncertain significance for CFTR-related disorders. Last evaluated: 2019-06-17. Review status: no assertion criteria provided. Collection method: clinical testing. Allele origin: germline. Not counted in ClinVar's aggregate classification.

NM_000492.4(CFTR):c.3128T>A (p.Leu1043Gln)

Genes: CFTR (CF transmembrane conductance regulator; plus strand), CFTR-AS2 (CFTR antisense RNA 2; minus strand), LOC111674472 (DNase I hypersensitive sites in introns 16 and 17a of CFTR; plus strand). Cytogenetic location: 7q31.2.
Variant type: single nucleotide variant.
Coding change: c.3128T>A on transcript NM_000492.4 (MANE Select); coding-DNA position 3128, T replaced by A.
Protein change: p.Leu1043Gln; replaces leucine 1043 with glutamine.
Molecular consequence: missense variant.
Genome position (GRCh38, 1-based): chr7:117,610,658, T>A. VCF-style: chr7-117610658-T-A. GRCh37 (hg19) VCF-style: chr7-117250712-T-A.
Other names: short protein forms L1043Q.
Identifiers: ClinVar variation 928980 (VCV000928980.2), dbSNP rs1026006397, ClinGen allele CA164965384.